The following is an entry in ClinVar:

ClinVar aggregate classification (germline): Benign (1 of 4 stars; one submission).

Conditions:
Cone dystrophy with supernormal rod response (CDSRR). Also called: CONE DYSTROPHY WITH SUPERNORMAL ROD RESPONSES. Identifiers: Orphanet 209932, MedGen C1835897, MONDO:0012475, OMIM 610356.

Allele frequency attached by ClinVar (database versions not stated): 1000 Genomes Project 0.00060; 1000 Genomes Project 30x 0.00109; gnomAD 0.00204 and 0.00212; TOPMed 0.00221; gnomAD exomes 0.00258.

Submission:

Illumina Laboratory Services, Illumina
Classification: Benign for Cone dystrophy with supernormal rod response. Last evaluated: 2017-04-27. Review status: criteria provided, single submitter. Criteria: ICSL Variant Classification Criteria 13 December 2019. Collection method: clinical testing. Allele origin: germline.
Comment: This variant was observed as part of a predisposition screen in an ostensibly healthy population. A literature search was performed for the gene, cDNA change, and amino acid change (where applicable). No publications were found based on this search. Allele frequency data from public databases was too high to be consistent with this variant causing disease. Therefore, this variant is classified as benign.

NM_133497.4(KCNV2):c.*65T>A

Gene: KCNV2 (potassium voltage-gated channel modifier subfamily V member 2; plus strand). Cytogenetic location: 9p24.2.
Variant type: single nucleotide variant.
Coding change: c.*65T>A on transcript NM_133497.4 (MANE Select); 65 bases downstream of the stop codon, T replaced by A.
Molecular consequence: 3 prime UTR variant.
Genome position (GRCh38, 1-based): chr9:2,729,792, T>A. VCF-style: chr9-2729792-T-A. GRCh37 (hg19) VCF-style: chr9-2729792-T-A.
Identifiers: ClinVar variation 914361 (VCV000914361.4), dbSNP rs183191721, ClinGen allele CA187990572.
Genomic context (GRCh38, chr9:2,729,792, plus strand): 5'-TTATAGGACATGTGGCTGGTAGATTCCATGAACTTCAAGGCTTCATTGCTCTTTTTTTAA[T>A]CATTATGATTGGCAGCAAAAGGAAATGTGAAGCAGACATACACAAAGGCCATTTCGTTCA-3'